The following is an entry in ClinVar:

ClinVar aggregate classification (germline): Conflicting classifications of pathogenicity. Review status: criteria provided, conflicting classifications (1 of 4 stars). 2 submissions from 2 submitters: Uncertain significance (1); Likely benign (1). Last evaluated 2024-04-10.

Conditions:
Cardiovascular phenotype. Identifiers: MedGen CN230736.

Allele frequency attached by ClinVar (database versions not stated): gnomAD exomes 0.00006 and 0.00001; 1000 Genomes Project 30x 0.00031; TOPMed 0.00003; gnomAD 0.00004 and 0.00005.
gnomAD v4.1: 20 of 1,549,214 alleles (0.0013%); highest among the groups gnomAD compares: East Asian, 0.046%; no homozygotes.

Submissions (2):

Ambry Genetics
Classification: Likely benign for Cardiovascular phenotype. Last evaluated: 2024-04-10. Review status: criteria provided, single submitter. Criteria: Ambry Variant Classification Scheme 2023. Collection method: clinical testing. Allele origin: germline.

Labcorp Genetics (formerly Invitae), Labcorp
Classification: Uncertain significance. Last evaluated: 2021-12-03. Review status: criteria provided, single submitter. Criteria: Invitae Variant Classification Sherloc (09022015). Collection method: clinical testing. Allele origin: germline.
Comment: This sequence change replaces aspartic acid, which is acidic and polar, with glycine, which is neutral and non-polar, at codon 2954 of the ZNF469 protein (p.Asp2954Gly). This variant is present in population databases (no rsID available, gnomAD 0.1%). This variant has not been reported in the literature in individuals affected with ZNF469-related conditions. Algorithms developed to predict the effect of missense changes on protein structure and function (SIFT, PolyPhen-2, Align-GVGD) all suggest that this variant is likely to be tolerated. Algorithms developed to predict the effect of sequence changes on RNA splicing suggest that this variant may create or strengthen a splice site. In summary, the available evidence is currently insufficient to determine the role of this variant in disease. Therefore, it has been classified as a Variant of Uncertain Significance.

NM_001367624.2(ZNF469):c.8945A>G (p.Asp2982Gly)

Gene: ZNF469 (zinc finger protein 469; plus strand). Cytogenetic location: 16q24.2.
Variant type: single nucleotide variant.
Coding change: c.8945A>G on transcript NM_001367624.2 (MANE Select); coding-DNA position 8945, A replaced by G.
Protein change: p.Asp2982Gly; replaces aspartic acid 2982 with glycine.
Molecular consequence: missense variant.
Genome position (GRCh38, 1-based): chr16:88,436,415, A>G. VCF-style: chr16-88436415-A-G. GRCh37 (hg19) VCF-style: chr16-88502823-A-G.
Other names: NM_001127464.1:c.8861A>G; short protein forms D2982G.
Identifiers: ClinVar variation 1433182 (VCV001433182.5), dbSNP rs1225083595, ClinGen allele CA397119853.